The following is an entry in ClinVar:

NM_001017995.3(SH3PXD2B):c.*4804T>C

Gene: SH3PXD2B (SH3 and PX domains 2B; minus strand). Cytogenetic location: 5q35.1.
Variant type: single nucleotide variant.
Coding change: c.*4804T>C on transcript NM_001017995.3 (MANE Select); 4804 bases downstream of the stop codon, T replaced by C.
Molecular consequence: 3 prime UTR variant. On other transcripts: intron variant (1).
Genome position (GRCh38, 1-based): chr5:172,333,565, A>G on the plus strand (T>C on the coding strand, the complement: SH3PXD2B is on the minus strand). VCF-style: chr5-172333565-A-G. GRCh37 (hg19) VCF-style: chr5-171760569-A-G.
Other names: c.1189-8185T>C (NM_001308175.2).
Identifiers: ClinVar variation 352729 (VCV000352729.5), dbSNP rs12033, ClinGen allele CA10623989.

ClinVar aggregate classification (germline): Benign (1 of 4 stars; one submission).

Conditions:
Frank-Ter Haar syndrome. Also called: BORRONE DERMATOCARDIOSKELETAL SYNDROME; TER HAAR SYNDROME; MELNICK-NEEDLES SYNDROME, AUTOSOMAL RECESSIVE; Borrone di Rocco Crovato syndrome. Identifiers: Orphanet 1266, Orphanet 137834, MedGen C1855305, MONDO:0009579, OMIM 249420.

Allele frequency attached by ClinVar (database versions not stated): TOPMed 0.64432; 1000 Genomes Project 30x 0.68129; 1000 Genomes Project 0.68550.
gnomAD v4.1: 768,571 of 1,175,490 alleles (65%); highest among the groups gnomAD compares: South Asian, 86%; 253,568 homozygotes.

Submission:

Illumina Laboratory Services, Illumina
Classification: Benign for Frank-Ter Haar syndrome. Last evaluated: 2018-01-12. Review status: criteria provided, single submitter. Criteria: ICSL Variant Classification Criteria 13 December 2019. Collection method: clinical testing. Allele origin: germline.
Comment: This variant was observed in the ICSL laboratory as part of a predisposition screen in an ostensibly healthy population. It had not been previously curated by ICSL or reported in the Human Gene Mutation Database (HGMD: prior to June 1st, 2018), and was therefore a candidate for classification through an automated scoring system. Utilizing variant allele frequency, disease prevalence and penetrance estimates, and inheritance mode, an automated score was calculated to assess if this variant is too frequent to cause the disease. Based on the score and internal cut-off values, a variant classified as benign is not then subjected to further curation. The score for this variant resulted in a classification of benign for this disease.